The following is an entry in ClinVar:

NM_001849.4(COL6A2):c.179A>C (p.Gln60Pro)

Gene: COL6A2 (collagen type VI alpha 2 chain; plus strand). Cytogenetic location: 21q22.3.
Variant type: single nucleotide variant.
Coding change: c.179A>C on transcript NM_001849.4 (MANE Select); coding-DNA position 179, A replaced by C.
Protein change: p.Gln60Pro; replaces glutamine 60 with proline.
Molecular consequence: missense variant.
Genome position (GRCh38, 1-based): chr21:46,112,042, A>C. VCF-style: chr21-46112042-A-C. GRCh37 (hg19) VCF-style: chr21-47531956-A-C.
Other names: c.179A>C, p.Gln60Pro (NM_058174.3, NM_058175.3); short protein forms Q60P.
Identifiers: ClinVar variation 1513873 (VCV001513873.8), dbSNP rs147892526, ClinGen allele CA410520154.
Genomic context (GRCh38, chr21:46,112,042, plus strand): 5'-AGACCGACTGCCCCATCCACGTGTACTTCGTGCTGGACACCTCGGAGAGCGTCACCATGC[A>C]GTCCCCCACGGACATCCTGCTCTTCCACATGAAGCAGTTCGTGCCGCAGTTCATCAGCCA-3'
Protein context (NP_001840.3, residues 50-70): VLDTSESVTM[Gln60Pro]SPTDILLFHM

ClinVar aggregate classification (germline): Uncertain significance. Review status: criteria provided, multiple submitters, no conflicts (2 of 4 stars). 2 submissions from 2 submitters: Uncertain significance (2). Last evaluated 2021-07-31.

Conditions:
Bethlem myopathy 1A. Also called: MYOPATHY, BENIGN CONGENITAL, WITH CONTRACTURES; Bethlem myopathy 1; Bethlem Muscular Dystrophy. Identifiers: Orphanet 610, MedGen CN029274, MONDO:0024530, OMIM 158810.

Submissions (2):

Labcorp Genetics (formerly Invitae), Labcorp
Classification: Uncertain significance for Bethlem myopathy 1A. Last evaluated: 2021-07-31. Review status: criteria provided, single submitter. Criteria: Invitae Variant Classification Sherloc (09022015). Collection method: clinical testing. Allele origin: germline.
Comment: In summary, the available evidence is currently insufficient to determine the role of this variant in disease. Therefore, it has been classified as a Variant of Uncertain Significance. Algorithms developed to predict the effect of missense changes on protein structure and function are either unavailable or do not agree on the potential impact of this missense change (SIFT: "Deleterious"; PolyPhen-2: "Possibly Damaging"; Align-GVGD: "Class C0"). This variant has not been reported in the literature in individuals affected with COL6A2-related conditions. This variant is not present in population databases (ExAC no frequency). This sequence change replaces glutamine with proline at codon 60 of the COL6A2 protein (p.Gln60Pro). The glutamine residue is highly conserved and there is a moderate physicochemical difference between glutamine and proline.

Laboratorio de Genetica e Diagnostico Molecular, Hospital Israelita Albert Einstein
Classification: Uncertain significance. Last evaluated: 2019-10-14. Review status: criteria provided, single submitter. Criteria: ACMG Guidelines, 2015. Collection method: clinical testing. Allele origin: germline. Affected: yes.
Comment: ACMG classification criteria: PM2, PP3